The following is an entry in ClinVar:

ClinVar aggregate classification (germline): Likely pathogenic (1 of 4 stars; one submission).

Allele frequency attached by ClinVar (database versions not stated): gnomAD exomes 0.00001 and 0.00002; TOPMed 0.00001; ExAC 0.00002; gnomAD 0.00003 and 0.00004.
gnomAD v4.1: 17 of 1,568,718 alleles (0.0011%); highest among the groups gnomAD compares: Non-Finnish European, 0.0013%; no homozygotes.

Submission:

Labcorp Genetics (formerly Invitae), Labcorp
Classification: Likely pathogenic. Last evaluated: 2025-09-02. Review status: criteria provided, single submitter. Criteria: Invitae Variant Classification Sherloc (09022015). Collection method: clinical testing. Allele origin: germline.
Comment: This sequence change affects a donor splice site in intron 6 of the C7 gene. It is expected to disrupt RNA splicing. Variants that disrupt the donor or acceptor splice site typically lead to a loss of protein function (PMID: 16199547), and loss-of-function variants in C7 are known to be pathogenic (PMID: 9856499, 17407100). This variant is present in population databases (rs775840176, gnomAD 0.008%). This variant has not been reported in the literature in individuals affected with C7-related conditions. ClinVar contains an entry for this variant (Variation ID: 1384650). Algorithms developed to predict the effect of sequence changes on RNA splicing suggest that this variant may disrupt the consensus splice site. In summary, the currently available evidence indicates that the variant is pathogenic, but additional data are needed to prove that conclusively. Therefore, this variant has been classified as Likely Pathogenic.

Literature cited by the submitters: PubMed 16199547; PubMed 9856499; PubMed 17407100.

NM_000587.4(C7):c.567+1G>A

Gene: C7 (complement C7; plus strand). Cytogenetic location: 5p13.1.
Variant type: single nucleotide variant.
Coding change: c.567+1G>A on transcript NM_000587.4 (MANE Select); the canonical splice donor site of the intron after coding-DNA position 567, G replaced by A.
Molecular consequence: splice donor variant.
Genome position (GRCh38, 1-based): chr5:40,937,691, G>A. VCF-style: chr5-40937691-G-A. GRCh37 (hg19) VCF-style: chr5-40937793-G-A.
Identifiers: ClinVar variation 1384650 (VCV001384650.8), dbSNP rs775840176, ClinGen allele CA3249681.